The following is an entry in ClinVar:

NM_000179.3(MSH6):c.260+6G>T

Genes: MSH6 (mutS homolog 6; plus strand), LOC129933707 (ATAC-STARR-seq lymphoblastoid silent region 11468; plus strand). Cytogenetic location: 2p16.3.
Variant type: single nucleotide variant.
Coding change: c.260+6G>T on transcript NM_000179.3 (MANE Select); 6 bases into the intron after coding-DNA position 260, G replaced by T.
Molecular consequence: intron variant.
Genome position (GRCh38, 1-based): chr2:47,783,499, G>T. VCF-style: chr2-47783499-G-T. GRCh37 (hg19) VCF-style: chr2-48010638-G-T.
Other names: c.-477+6G>T (NM_001281493.2); c.237+29G>T (NM_001281492.2).
Identifiers: ClinVar variation 1017286 (VCV001017286.9), dbSNP rs1668139912, ClinGen allele CA2496038289.
Genomic context (GRCh38, chr2:47,783,499, plus strand): 5'-CGAAGAACCTCAACGGAGGGCTGCGGAGATCGGTAGCGCCTGCTGCCCCCACCAGGTAGC[G>T]GGGTGGGGGTGGGGTCGAAGGCGGGGGCATAGCGGCGGGGCGCTTGGAACCCGGCGAGGG-3'

ClinVar aggregate classification (germline): Uncertain significance (1 of 4 stars; one submission).

Conditions:
Hereditary nonpolyposis colorectal neoplasms. Identifiers: MedGen C0009405, MeSH D003123.

Submission:

Labcorp Genetics (formerly Invitae), Labcorp
Classification: Uncertain significance for Hereditary nonpolyposis colorectal neoplasms. Last evaluated: 2020-07-21. Review status: criteria provided, single submitter. Criteria: Invitae Variant Classification Sherloc (09022015). Collection method: clinical testing. Allele origin: germline.
Comment: In summary, the available evidence is currently insufficient to determine the role of this variant in disease. Therefore, it has been classified as a Variant of Uncertain Significance. Nucleotide substitutions within the consensus splice site are a relatively common cause of aberrant splicing (PMID: 17576681, 9536098). Algorithms developed to predict the effect of sequence changes on RNA splicing suggest that this variant is not likely to affect RNA splicing, but this prediction has not been confirmed by published transcriptional studies. This variant has not been reported in the literature in individuals with MSH6-related conditions. The frequency data for this variant in the population databases is considered unreliable, as metrics indicate insufficient coverage at this position in the ExAC database. This sequence change falls in intron 1 of the MSH6 gene. It does not directly change the encoded amino acid sequence of the MSH6 protein, but it affects a nucleotide within the consensus splice site of the intron.

Literature cited by the submitters: PubMed 17576681; PubMed 9536098.